The following is an entry in ClinVar:

NM_176787.5(PIGN):c.1820T>G (p.Leu607Arg)

Gene: PIGN (phosphatidylinositol glycan anchor biosynthesis class N; minus strand). Cytogenetic location: 18q21.33.
Variant type: single nucleotide variant.
Coding change: c.1820T>G on transcript NM_176787.5 (MANE Select); coding-DNA position 1820, T replaced by G.
Protein change: p.Leu607Arg; replaces leucine 607 with arginine.
Molecular consequence: missense variant.
Genome position (GRCh38, 1-based): chr18:62,105,582, A>C on the plus strand (T>G on the coding strand, the complement: PIGN is on the minus strand). VCF-style: chr18-62105582-A-C. GRCh37 (hg19) VCF-style: chr18-59772815-A-C.
Other names: c.1820T>G, p.Leu607Arg (NM_012327.6); short protein forms L607R.
Identifiers: ClinVar variation 1057069 (VCV001057069.9), dbSNP rs2146406479, ClinGen allele CA402604432.

ClinVar aggregate classification (germline): Uncertain significance (1 of 4 stars; one submission).

Conditions:
Multiple congenital anomalies-hypotonia-seizures syndrome 1 (MCAHS1). Also called: PIGN-CDG; Congenital disorder of glycosylation due to PIGN deficiency; GLYCOSYLPHOSPHATIDYLINOSITOL BIOSYNTHESIS DEFECT 3. Identifiers: Orphanet 280633, MedGen C3279775, MONDO:0013563, OMIM 614080.

Submission:

Labcorp Genetics (formerly Invitae), Labcorp
Classification: Uncertain significance for Multiple congenital anomalies-hypotonia-seizures syndrome 1. Last evaluated: 2020-07-21. Review status: criteria provided, single submitter. Criteria: Invitae Variant Classification Sherloc (09022015). Collection method: clinical testing. Allele origin: germline.
Comment: In summary, the available evidence is currently insufficient to determine the role of this variant in disease. Therefore, it has been classified as a Variant of Uncertain Significance. Algorithms developed to predict the effect of missense changes on protein structure and function (SIFT, PolyPhen-2, Align-GVGD) all suggest that this variant is likely to be disruptive, but these predictions have not been confirmed by published functional studies and their clinical significance is uncertain. This variant is not present in population databases (ExAC no frequency). This sequence change replaces leucine with arginine at codon 607 of the PIGN protein (p.Leu607Arg). The leucine residue is highly conserved and there is a moderate physicochemical difference between leucine and arginine. This variant has not been reported in the literature in individuals with PIGN-related conditions.